The following is an entry in ClinVar:

ClinVar aggregate classification (germline): Uncertain significance. Review status: criteria provided, multiple submitters, no conflicts (2 of 4 stars). 11 submissions from 11 submitters: Uncertain significance (10). 1 of the submissions does not count toward it. Last evaluated 2026-07-01.

Conditions:
Glycogen storage disease, type II (IOPD). Also called: CARDIOMEGALIA GLYCOGENICA DIFFUSA; GLYCOGENOSIS, GENERALIZED, CARDIAC FORM; GSD II; POMPE DISEASE, INFANTILE-ONSET; GLYCOGEN STORAGE DISEASE II, INFANTILE-ONSET; ACID ALPHA-GLUCOSIDASE DEFICIENCY, INFANTILE-ONSET. Identifiers: Orphanet 365, MedGen C0017921, MONDO:0009290, OMIM 232300.

Allele frequency attached by ClinVar (database versions not stated): ExAC 0.00006; TOPMed 0.00015; gnomAD 0.00017 and 0.00019; 1000 Genomes Project 30x 0.00031; 1000 Genomes Project 0.00040.
gnomAD v4.1: 60 of 1,592,028 alleles (0.0038%); highest among the groups gnomAD compares: African/African-American, 0.068%; no homozygotes.

Submissions (11):

Genomenon, Inc
Classification: Uncertain significance for Glycogen storage disease, type II. Last evaluated: 2026-07-01. Review status: criteria provided, single submitter. Criteria: Genomenon Sequence Variant Interpretation Standards - Updated. Collection method: curation. Allele origin: germline. Affected: no.
Comment: GAA p.Met440Ile (c.1320G>T) is a missense variant that changes the amino acid at codon 440 from Methionine to Isoleucine. This variant has been reported in the published literature (PMID:37087815). It is absent or not present at a significant frequency in gnomAD. In silico models predict that this variant is not damaging. In conclusion, we classify GAA p.Met440Ile (c.1320G>T) as a variant of uncertain significance.

Labcorp Genetics (formerly Invitae), Labcorp
Classification: Uncertain significance for Glycogen storage disease, type II. Last evaluated: 2026-01-24. Review status: criteria provided, single submitter. Criteria: Invitae Variant Classification Sherloc (09022015). Collection method: clinical testing. Allele origin: germline.
Comment: This sequence change replaces methionine, which is neutral and non-polar, with isoleucine, which is neutral and non-polar, at codon 440 of the GAA protein (p.Met440Ile). The frequency data for this variant in the population databases is considered unreliable, as metrics indicate poor data quality at this position in the gnomAD database. This variant has not been reported in the literature in individuals affected with GAA-related conditions. ClinVar contains an entry for this variant (Variation ID: 281299). Invitae Evidence Modeling of protein sequence and biophysical properties (such as structural, functional, and spatial information, amino acid conservation, physicochemical variation, residue mobility, and thermodynamic stability) indicates that this missense variant is not expected to disrupt GAA protein function with a negative predictive value of 95%. In summary, the available evidence is currently insufficient to determine the role of this variant in disease. Therefore, it has been classified as a Variant of Uncertain Significance.

Revvity Omics, Revvity
Classification: Uncertain significance. Last evaluated: 2024-12-26. Review status: criteria provided, single submitter. Criteria: ACMG Guidelines, 2015. Collection method: clinical testing. Allele origin: germline.

GeneDx
Classification: Uncertain significance. Last evaluated: 2024-06-24. Review status: criteria provided, single submitter. Criteria: GeneDx Variant Classification Process June 2021. Collection method: clinical testing. Allele origin: germline. Affected: yes.
Comment: In silico analysis indicates that this missense variant does not alter protein structure/function; This variant is associated with the following publications: (PMID: 19343043, 22253258, 37087815)

Blueprint Genetics
Classification: Uncertain significance. Last evaluated: 2023-11-28. Review status: criteria provided, single submitter. Criteria: ACMG Guidelines, 2015. Collection method: clinical testing. Allele origin: germline.

Women's Health and Genetics/Laboratory Corporation of America, LabCorp
Classification: Uncertain significance. Last evaluated: 2023-01-17. Review status: criteria provided, single submitter. Criteria: LabCorp Variant Classification Summary - May 2015. Collection method: clinical testing. Allele origin: germline.

Fulgent Genetics
Classification: Uncertain significance for Glycogen storage disease, type II. Last evaluated: 2021-10-02. Review status: criteria provided, single submitter. Criteria: ACMG Guidelines, 2015. Collection method: clinical testing. Allele origin: unknown.

Genome-Nilou Lab
Classification: Uncertain significance for Glycogen storage disease, type II. Last evaluated: 2021-09-05. Review status: criteria provided, single submitter. Criteria: ACMG Guidelines, 2015. Collection method: clinical testing. Allele origin: germline. Affected: no.

Mayo Clinic Laboratories, Mayo Clinic
Classification: Uncertain significance. Last evaluated: 2020-02-13. Review status: criteria provided, single submitter. Criteria: ACMG Guidelines, 2015. Collection method: clinical testing. Allele origin: germline. Observed: 1 variant allele.

Eurofins Ntd Llc (ga)
Classification: Uncertain significance. Last evaluated: 2015-07-06. Review status: criteria provided, single submitter. Criteria: EGL Classification Definitions 2015. Collection method: clinical testing. Allele origin: germline. Observed: 2 variant alleles, 2 heterozygotes.

Natera, Inc.
Classification: Uncertain significance for Glycogen storage disease type II. Last evaluated: 2020-03-11. Review status: no assertion criteria provided. Collection method: clinical testing. Allele origin: germline. Not counted in ClinVar's aggregate classification.

Literature cited by the submitters: PubMed 37087815 (cited by Genomenon, Inc).

NM_000152.5(GAA):c.1320G>T (p.Met440Ile)

Gene: GAA (alpha glucosidase; plus strand). Cytogenetic location: 17q25.3.
Variant type: single nucleotide variant.
Coding change: c.1320G>T on transcript NM_000152.5 (MANE Select); coding-DNA position 1320, G replaced by T.
Protein change: p.Met440Ile; replaces methionine 440 with isoleucine.
Molecular consequence: missense variant.
Genome position (GRCh38, 1-based): chr17:80,108,822, G>T. VCF-style: chr17-80108822-G-T. GRCh37 (hg19) VCF-style: chr17-78082621-G-T.
Other names: c.1320G>T, p.Met440Ile (NM_001079803.3, NM_001079804.3); c.1320G>T (LRG_673t1); short protein forms M440I.
Identifiers: ClinVar variation 281299 (VCV000281299.30), dbSNP rs550837627, ClinGen allele CA8815260.